The following is an entry in ClinVar:

ClinVar aggregate classification (germline): Uncertain significance. Review status: criteria provided, multiple submitters, no conflicts (2 of 4 stars). 2 submissions from 2 submitters: Uncertain significance (2). Last evaluated 2025-11-11.

gnomAD v4.1: 19 of 1,612,124 alleles (0.0012%); highest among the groups gnomAD compares: South Asian, 0.0099%; no homozygotes.

Submissions (2):

Ambry Genetics
Classification: Uncertain significance. Last evaluated: 2025-11-11. Review status: criteria provided, single submitter. Criteria: Ambry Variant Classification Scheme 2023. Collection method: clinical testing. Allele origin: germline.

Labcorp Genetics (formerly Invitae), Labcorp
Classification: Uncertain significance. Last evaluated: 2024-04-20. Review status: criteria provided, single submitter. Criteria: Invitae Variant Classification Sherloc (09022015). Collection method: clinical testing. Allele origin: germline.
Comment: This sequence change replaces arginine, which is basic and polar, with histidine, which is basic and polar, at codon 69 of the RSPO2 protein (p.Arg69His). This variant is present in population databases (rs747238565, gnomAD 0.01%). This variant has not been reported in the literature in individuals affected with RSPO2-related conditions. Advanced modeling of protein sequence and biophysical properties (such as structural, functional, and spatial information, amino acid conservation, physicochemical variation, residue mobility, and thermodynamic stability) performed at Invitae indicates that this missense variant is not expected to disrupt RSPO2 protein function with a negative predictive value of 80%. In summary, the available evidence is currently insufficient to determine the role of this variant in disease. Therefore, it has been classified as a Variant of Uncertain Significance.

NM_178565.5(RSPO2):c.206G>A (p.Arg69His)

Gene: RSPO2 (R-spondin 2; minus strand). Cytogenetic location: 8q23.1.
Variant type: single nucleotide variant.
Coding change: c.206G>A on transcript NM_178565.5 (MANE Select); coding-DNA position 206, G replaced by A.
Protein change: p.Arg69His; replaces arginine 69 with histidine.
Molecular consequence: missense variant. On other transcripts: intron variant (1).
Genome position (GRCh38, 1-based): chr8:107,989,133, C>T on the plus strand (G>A on the coding strand, the complement: RSPO2 is on the minus strand). VCF-style: chr8-107989133-C-T. GRCh37 (hg19) VCF-style: chr8-109001361-C-T.
Other names: c.5G>A, p.Arg2His (NM_001317942.2); c.95-28316G>A (NM_001282863.2); c.206G>A (NM_178565.4); short protein forms R2H, R69H.
Identifiers: ClinVar variation 3721041 (VCV003721041.2).
Genomic context (GRCh38, chr8:107,989,133, plus strand): 5'-TCTGGGGCTCGGTGTCCATAGTACCCGGATGGGCAGGAATGCAGGCACTCTCCATACTGG[C>T]GCATCCCTTCTCTTCGAAGGAAGAAGAACAACTTCTGTTGACATCGGCTACACCCATTGT-3'
Protein context (NP_848660.3, residues 59-79): LFFFLRREGM[Arg69His]QYGECLHSCP